The following is an entry in ClinVar:

NM_003924.4(PHOX2B):c.753_767dup (p.Ala256_Ala260dup)

Genes: PHOX2B (paired like homeobox 2B; minus strand), LOC110011216 (paired like homeobox 2b polyalanine repeat instability region; plus strand). Cytogenetic location: 4p13.
Variant type: Duplication.
Coding change: c.753_767dup on transcript NM_003924.4 (MANE Select); coding-DNA positions 753 to 767, 15 bases duplicated (GGCGGCGGCAGCGGC).
Protein change: p.Ala256_Ala260dup.
Molecular consequence: inframe insertion.
Genome position (GRCh38, 1-based): chr4:41,745,985-41,745,999, GCCGCTGCCGCCGCC duplicated on the plus strand (GGCGGCGGCAGCGGC on the coding strand, the reverse complement: PHOX2B is on the minus strand); duplicating any 15 consecutive bases within chr4:41,745,985-41,746,010 gives the same sequence; the c. name uses the placement nearest the transcript's 3' end. VCF-style (leftmost placement, unchanged base first): chr4-41745984-T-TGCCGCTGCCGCCGCC. GRCh37 (hg19) VCF-style: chr4-41748001-T-TGCCGCTGCCGCCGCC.
Other names: NM_003924.4(PHOX2B):c.753_767dup; p.Ala256_Ala260dup; c.753_767dup15 (NM_003924.3, NM_003924.4); c.753_767dupGGCGGCGGCAGCGGC (NM_003924.3).
Identifiers: ClinVar variation 505021 (VCV000505021.20), dbSNP rs779557320, ClinGen allele CA501224.

ClinVar aggregate classification (germline): Pathogenic. Review status: criteria provided, multiple submitters, no conflicts (2 of 4 stars). 9 submissions from 9 submitters: Pathogenic (9). Last evaluated 2026-06-22.

Conditions:
Congenital central hypoventilation. Also called: Congenital Central Hypoventilation Syndrome. Identifiers: Orphanet 661, Orphanet 99803, MedGen C1275808, MONDO:0800031. Disease mechanism: gain of function.
Central hypoventilation syndrome, congenital, 1, with or without Hirschsprung disease (CCHS1). Also called: CENTRAL HYPOVENTILATION SYNDROME, CONGENITAL, 1; AUTONOMIC CONTROL, CONGENITAL FAILURE OF; ONDINE CURSE, CONGENITAL; Congenital Central Hypoventilation Syndrome (CCHS); Central hypoventilation syndrome, congenital, 1, with or without Hirschsprung. Identifiers: Orphanet 661, MedGen C5562075, MONDO:0800026, OMIM 209880.
Neuroblastoma, susceptibility to, 2. Identifiers: Orphanet 635, MedGen C2751682, MONDO:0700041, OMIM 613013.
PHOX2B-related disorder. Also called: PHOX2B-related condition.
Hereditary cancer-predisposing syndrome. Also called: Neoplastic Syndromes, Hereditary; Hereditary Cancer Syndrome; Tumor predisposition; Hereditary neoplastic syndrome. Identifiers: Orphanet 140162, MedGen C0027672, MeSH D009386, MONDO:0015356.

Submissions (9):

PreventionGenetics, part of Exact Sciences
Classification: Pathogenic for PHOX2B-related condition. Last evaluated: 2026-06-22. Review status: criteria provided, single submitter. Criteria: ACMG Guidelines, 2015. Collection method: clinical testing. Allele origin: germline.
Comment: The PHOX2B c.753_767dup15 variant is predicted to result in an in-frame duplication (p.Ala256_Ala260dup). The p.Ala256_Ala260dup variant has previously been reported in multiple individuals with congenital central hypoventilation syndrome (CCHS) (Serra et al. 2010. PubMed ID: 20456320). This duplication causes an expansion of the polyalanine repeat region from 20 repeats (normal) to 25 repeats; repeat-expansions of similar size have been documented to be causative for CCHS (Matera et al. 2004. PubMed ID: 15121777). This variant is not present in a large population database (gnomAD) and has been interpreted as pathogenic in the ClinVar database. This variant is interpreted as pathogenic.

Women's Health and Genetics/Laboratory Corporation of America, LabCorp
Classification: Pathogenic for Congenital Central Hypoventilation Syndrome. Last evaluated: 2026-03-02. Review status: criteria provided, single submitter. Criteria: LabCorp Variant Classification Summary - May 2015. Collection method: clinical testing. Allele origin: germline.
Comment: Variant summary: PHOX2B c.753_767dup15 (p.Ala256_Ala260dup) results in an in-frame duplication that is predicted to duplicate 5 amino acids into the second polyalanine tract of the encoded protein. The variant was absent in 35526 control chromosomes. c.753_767dup15 has been observed in multiple individuals affected with Congenital Central Hypoventilation Syndrome (examples, Amiel_2003). These data indicate that the variant is likely to be associated with disease. To our knowledge, no experimental evidence demonstrating an impact on protein function has been reported. The following publication has been ascertained in the context of this evaluation (PMID: 12640453). ClinVar contains an entry for this variant (Variation ID: 505021). Based on the evidence outlined above, the variant was classified as pathogenic.

Ambry Genetics
Classification: Pathogenic for Hereditary cancer-predisposing syndrome. Last evaluated: 2025-07-21. Review status: criteria provided, single submitter. Criteria: Ambry Variant Classification Scheme 2023. Collection method: clinical testing. Allele origin: germline.
Comment: The p.Ala241[25] pathogenic mutation, located in coding exon 3 of the PHOX2B gene, results from an expansion of the polyalanine repeat region from 20 to 25 repeats. This expansion mutation is associated with congenital central hypoventilation syndrome (Amiel J et al. Nat. Genet., 2003 Apr;33:459-61; Matera I et al. J. Med. Genet., 2004 May;41:373-80; Weese-Mayer DE et al. Am. J. Respir. Crit. Care. Med. 2010 Mar;181(6):626-44). Based on the supporting evidence, this alteration is interpreted as a disease-causing mutation.

GeneDx
Classification: Pathogenic. Last evaluated: 2024-06-21. Review status: criteria provided, single submitter. Criteria: GeneDx Variant Classification Process June 2021. Collection method: clinical testing. Allele origin: germline. Affected: yes.
Comment: Duplication of 5 alanine residues in the second polyalanine tract, resulting in a total of 25 alanine residues; Polyalanine repeat expansion of 24 and 25 repeats have been identified in individuals with variable age of onset and phenotypes, ranging from asymptomatic/mild presentations to newborns with congenital central hypoventilation syndrome (PMID: 20301600; 22125732, 23460419, 18798833); Published functional evidence indicate that expanded PHOX2B protein forms ubiquitin positive inclusions, which sequester wild-type PHOX2B, resulting in reduced transcriptional and binding activity of wild-type protein and possibly supporting a dominant-negative effect (PMID: 22307522, 23103552); Observed in individuals with congenital central hypoventilation syndrome referred for genetic tested at GeneDx and in published literature (PMID: 29531718); De novo variant with confirmed parentage in multiple patients with clinical features of congenital central hypoventilation syndrome referred for genetic testing at GeneDx; Not observed at significant frequency in large population cohorts (gnomAD); This variant is associated with the following publications: (PMID: 15121777, 14566559, 14608649, 20301600, 22125732, 23460419, 18798833, 26063465, 12640453, 15334515, 38585811, 29531718, 22307522)

Broad Center for Mendelian Genomics, Broad Institute of MIT and Harvard
Classification: Pathogenic for Central hypoventilation syndrome, congenital, 1, with or without Hirschsprung disease. Last evaluated: 2024-03-12. Review status: criteria provided, single submitter. Criteria: ACMG Guidelines, 2015. Collection method: curation. Allele origin: germline. Inheritance: Autosomal dominant inheritance.
Comment: Trio genome analysis showed this variant to be de novo. We believe this is a possible phenotype expansion for congenital central hypoventilation syndrome-1 with or without Hirschsprung disease. The p.Ala256_Ala260dup variant in PHOX2B has been previously reported in over 100 individuals with congenital central hypoventilation syndrome 1 with or without Hirschsprung disease (PMID: 22437207, PMID: 26063465, PMID: 14608649, PMID: 29531718, PMID: 15121777, PMID: 14566559, PMID: 15334515, PMID: 12640453, SCV001244958.1, SCV001792209.1) and segregated with disease in at least 8 affected relatives from 5 families (PMID: 22437207, PMID: 14608649). The number of reported affected individuals with this variant is greater than expected compared to non-affected individuals with this variant. This variant was found to be de novo in at least 10 individuals with confirmed paternity and maternity (PMID: 15121777, PMID: 15334515, PMID: 12640453, SCV001244958.1, SCV001792209.1) and is assumed de novo in 1 individual, but maternity and paternity have not been confirmed (PMID: 29531718). This variant was absent from large population studies. This variant has also been reported in ClinVar (Variation ID: 505021, 429242, 988333) and has been interpreted as pathogenic by Ambry Genetics and Laboratory for Molecular Medicine, Mass General Brigham Personalized Medicine. In summary, this variant meets criteria to be classified as pathogenic for autosomal dominant congenital central hypoventilation syndrome-1 with or without Hirschsprung disease. ACMG/AMP Criteria applied: PS2_VeryStrong, PS4, PM2_Supporting, PP1_Strong (Richards 2015).

Blueprint Genetics
Classification: Pathogenic for PHOX2B-related disorders. Last evaluated: 2022-06-10. Review status: criteria provided, single submitter. Criteria: ACMG Guidelines, 2015. Collection method: clinical testing. Allele origin: germline. Affected: yes. Observed: 4 variant alleles.

Revvity Omics, Revvity
Classification: Pathogenic. Last evaluated: 2021-12-23. Review status: criteria provided, single submitter. Criteria: ACMG Guidelines, 2015. Collection method: clinical testing. Allele origin: germline.

Laboratory for Molecular Medicine, Mass General Brigham Personalized Medicine
Classification: Pathogenic for Central hypoventilation syndrome, congenital, 1, with or without Hirschsprung disease. Last evaluated: 2016-05-03. Review status: criteria provided, single submitter. Criteria: LMM Criteria. Collection method: clinical testing. Allele origin: germline. Inheritance: Autosomal dominant inheritance. Observed: 1 variant allele.
Comment: The p.Ala241[25] variant in PHOX2B is a well-established pathogenic variant for CCHS, which has been reported in >100 affected individuals and was absent from ~ 4000 control chromosomes tested across multiple studies (Weese-Mayer 2010). This variant is a 15bp duplication within a polyalanine tract in exon 3 of the PHOX2 B gene, resulting in an expansion to a total of 25 alanine residues. It frequent ly occurs de novo, though autosomal dominant inheritance and somatic mosaicism h ave also been reported (Weese-Mayer 2010). While this variant typically causes c ongenital central hypoventilation, it has also been reported in individuals that presented with disease in infancy or childhood, raising the possibility of dela yed onset (Weese-Mayer 2010, Shimokaze 2015). In summary, this variant meets our criteria to be classified as pathogenic for CCHS in an autosomal dominant manne r.

Juno Genomics, Hangzhou Juno Genomics, Inc
Classification: Pathogenic for Central hypoventilation syndrome, congenital, 1, with or without Hirschsprung disease; Neuroblastoma, susceptibility to, 2. Review status: criteria provided, single submitter. Criteria: ACMG Guidelines, 2015. Collection method: clinical testing. Allele origin: germline. Affected: yes.
Comment: The prevalence of the variant in affected individuals is significantly increased compared to the prevalence in controls.;Well-established in vitro or in vivo functional studies supportive of a damaging effect on the gene or gene product.;Protein length changes due to in-frame deletions/insertions in a non-repeat region or stop-loss variants.;Absent from controls (or at extremely low frequency if recessive) in Genome Aggregation Database, Exome Sequencing Project, 1000 Genomes Project, or Exome Aggregation Consortium.;Patient's phenotype or family history is highly specific for a disease with a single genetic etiology.

Literature cited by the submitters: PubMed 12640453 (cited by 3 submitters); PubMed 15121777 (cited by Ambry Genetics); PubMed 20208042 (cited by Ambry Genetics and Laboratory for Molecular Medicine, Mass General Brigham Personalized Medicine); PubMed 39033378 (cited by Broad Center for Mendelian Genomics, Broad Institute of MIT and Harvard); PubMed 15334515 (cited by Laboratory for Molecular Medicine, Mass General Brigham Personalized Medicine); PubMed 14608649 (cited by Laboratory for Molecular Medicine, Mass General Brigham Personalized Medicine); PubMed 26063465 (cited by Laboratory for Molecular Medicine, Mass General Brigham Personalized Medicine); PubMed 14566559 (cited by Laboratory for Molecular Medicine, Mass General Brigham Personalized Medicine); PubMed 20301600 (cited by Laboratory for Molecular Medicine, Mass General Brigham Personalized Medicine).